The following is an entry in ClinVar:

NM_000829.4(GRIA4):c.1018G>C (p.Gly340Arg)

Gene: GRIA4 (glutamate ionotropic receptor AMPA type subunit 4; plus strand). Cytogenetic location: 11q22.3.
Variant type: single nucleotide variant.
Coding change: c.1018G>C on transcript NM_000829.4 (MANE Select); coding-DNA position 1018, G replaced by C.
Protein change: p.Gly340Arg; replaces glycine 340 with arginine.
Molecular consequence: missense variant. On other transcripts: non-coding transcript variant (1).
Genome position (GRCh38, 1-based): chr11:105,903,946, G>C. VCF-style: chr11-105903946-G-C. GRCh37 (hg19) VCF-style: chr11-105774672-G-C.
Other names: c.1018G>C, p.Gly340Arg (NM_001077243.3, NM_001077244.2, NM_001112812.2); short protein forms G340R.
Identifiers: ClinVar variation 3372661 (VCV003372661.1).

ClinVar aggregate classification (germline): Uncertain significance (1 of 4 stars; one submission).

gnomAD v4.1: 1 of 1,613,064 alleles (0.000062%); highest among the groups gnomAD compares: Non-Finnish European, 0.000085%; no homozygotes.

Submission:

GeneDx
Classification: Uncertain significance. Last evaluated: 2024-04-19. Review status: criteria provided, single submitter. Criteria: GeneDx Variant Classification Process June 2021. Collection method: clinical testing. Allele origin: germline. Affected: yes.
Comment: Not observed at significant frequency in large population cohorts (gnomAD); In silico analysis supports that this missense variant has a deleterious effect on protein structure/function; Has not been previously published as pathogenic or benign to our knowledge